The following is an entry in ClinVar:

NM_002711.4(PPP1R3A):c.107G>A (p.Gly36Asp)

Gene: PPP1R3A (protein phosphatase 1 regulatory subunit 3A; minus strand). Cytogenetic location: 7q31.1.
Variant type: single nucleotide variant.
Coding change: c.107G>A on transcript NM_002711.4 (MANE Select); coding-DNA position 107, G replaced by A.
Protein change: p.Gly36Asp; replaces glycine 36 with aspartic acid.
Molecular consequence: missense variant.
Genome position (GRCh38, 1-based): chr7:113,918,890, C>T on the plus strand (G>A on the coding strand, the complement: PPP1R3A is on the minus strand). VCF-style: chr7-113918890-C-T. GRCh37 (hg19) VCF-style: chr7-113558945-C-T.
Other names: short protein forms G36D.
Identifiers: ClinVar variation 2370826 (VCV002370826.27), dbSNP rs146092707, ClinGen allele CA4445533.

ClinVar aggregate classification (germline): Conflicting classifications of pathogenicity. Review status: criteria provided, conflicting classifications (1 of 4 stars). 2 submissions from 2 submitters: Uncertain significance (1); Likely benign (1). Last evaluated 2025-02-11.

Allele frequency attached by ClinVar (database versions not stated): gnomAD exomes 0.00009; TOPMed 0.00010; gnomAD 0.00011; ExAC 0.00012; ESP Exome Variant Server 0.00023.

Submissions (2):

Ambry Genetics
Classification: Uncertain significance. Last evaluated: 2025-02-11. Review status: criteria provided, single submitter. Criteria: Ambry Variant Classification Scheme 2023. Collection method: clinical testing. Allele origin: germline.

CeGaT Center for Human Genetics Tuebingen
Classification: Likely benign. Last evaluated: 2022-10-01. Review status: criteria provided, single submitter. Criteria: CeGaT Center For Human Genetics Tuebingen Variant Classification Criteria Version 2. Collection method: clinical testing. Allele origin: germline. Affected: yes. Observed: 1 variant allele.
Comment: PPP1R3A: BP4